The following is an entry in ClinVar:

ClinVar aggregate classification (germline): Likely benign. Review status: criteria provided, multiple submitters, no conflicts (2 of 4 stars). 2 submissions from 2 submitters: Likely benign (2). Last evaluated 2024-03-02.

Conditions:
Seizures, benign familial infantile, 3 (BFIS3). Also called: Familial neonatal seizures; CONVULSIONS, BENIGN FAMILIAL INFANTILE, 3. Identifiers: Orphanet 140927, Orphanet 306, MedGen C1843140, MONDO:0011904, OMIM 607745.
Developmental and epileptic encephalopathy, 11 (DEE11). Also called: Early infantile epileptic encephalopathy 11. Identifiers: Orphanet 1934, MedGen C3150987, MONDO:0013388, OMIM 613721.

Submissions (2):

Labcorp Genetics (formerly Invitae), Labcorp
Classification: Likely benign for Seizures, benign familial infantile, 3; Developmental and epileptic encephalopathy, 11. Last evaluated: 2024-03-02. Review status: criteria provided, single submitter. Criteria: Invitae Variant Classification Sherloc (09022015). Collection method: clinical testing. Allele origin: germline.

GeneDx
Classification: Likely benign. Last evaluated: 2017-04-25. Review status: criteria provided, single submitter. Criteria: GeneDx Variant Classification (06012015). Collection method: clinical testing. Allele origin: germline. Affected: yes.
Comment: This variant is considered likely benign or benign based on one or more of the following criteria: it is a conservative change, it occurs at a poorly conserved position in the protein, it is predicted to be benign by multiple in silico algorithms, and/or has population frequency not consistent with disease.

NM_001040142.2(SCN2A):c.681A>C (p.Thr227=)

Gene: SCN2A (sodium voltage-gated channel alpha subunit 2; plus strand). Cytogenetic location: 2q24.3.
Variant type: single nucleotide variant.
Coding change: c.681A>C on transcript NM_001040142.2 (MANE Select); coding-DNA position 681, A replaced by C.
Protein change: p.Thr227=; no amino-acid change (threonine 227 retained).
Molecular consequence: synonymous variant. On other transcripts: intron variant (2).
Genome position (GRCh38, 1-based): chr2:165,309,427, A>C. VCF-style: chr2-165309427-A-C. GRCh37 (hg19) VCF-style: chr2-166165937-A-C.
Other names: c.681A>C, p.Thr227= (NM_001371247.1, NM_021007.3); c.697+171A>C (NM_001040143.2, NM_001371246.1).
Identifiers: ClinVar variation 509156 (VCV000509156.3), dbSNP rs2228987, ClinGen allele CA1939673.